The following is an entry in ClinVar:

ClinVar aggregate classification (germline): Uncertain significance. Review status: criteria provided, multiple submitters, no conflicts (2 of 4 stars). 3 submissions from 3 submitters: Uncertain significance (3). Last evaluated 2025-03-09.

Conditions:
Hereditary cancer-predisposing syndrome. Also called: Neoplastic Syndromes, Hereditary; Tumor predisposition; Hereditary neoplastic syndrome; Hereditary Cancer Syndrome. Identifiers: Orphanet 140162, MedGen C0027672, MeSH D009386, MONDO:0015356.
Hereditary nonpolyposis colorectal neoplasms. Identifiers: MedGen C0009405, MeSH D003123.

Submissions (3):

Ambry Genetics
Classification: Uncertain significance for Hereditary cancer-predisposing syndrome. Last evaluated: 2025-03-09. Review status: criteria provided, single submitter. Criteria: Ambry Variant Classification Scheme 2023. Collection method: clinical testing. Allele origin: germline.
Comment: The p.A729G variant (also known as c.2186C>G), located in coding exon 4 of the MSH6 gene, results from a C to G substitution at nucleotide position 2186. The alanine at codon 729 is replaced by glycine, an amino acid with similar properties. This amino acid position is conserved. In addition, this alteration is predicted to be tolerated by in silico analysis. Based on the available evidence, the clinical significance of this variant remains unclear.

Color Diagnostics, LLC DBA Color Health
Classification: Uncertain significance for Hereditary cancer-predisposing syndrome. Last evaluated: 2024-03-06. Review status: criteria provided, single submitter. Criteria: ACMG Guidelines, 2015. Collection method: clinical testing. Allele origin: germline.
Comment: This missense variant replaces alanine with glycine at codon 729 of the MSH6 protein. Computational prediction suggests that this variant may not impact protein structure and function (internally defined REVEL score threshold <= 0.5, PMID: 27666373). To our knowledge, functional studies have not been reported for this variant. This variant has not been reported in individuals affected with MSH6-related disorders in the literature. This variant has not been identified in the general population by the Genome Aggregation Database (gnomAD). The available evidence is insufficient to determine the role of this variant in disease conclusively. Therefore, this variant is classified as a Variant of Uncertain Significance.

Labcorp Genetics (formerly Invitae), Labcorp
Classification: Uncertain significance for Hereditary nonpolyposis colorectal neoplasms. Last evaluated: 2022-07-26. Review status: criteria provided, single submitter. Criteria: Invitae Variant Classification Sherloc (09022015). Collection method: clinical testing. Allele origin: germline.
Comment: In summary, the available evidence is currently insufficient to determine the role of this variant in disease. Therefore, it has been classified as a Variant of Uncertain Significance. Advanced modeling of protein sequence and biophysical properties (such as structural, functional, and spatial information, amino acid conservation, physicochemical variation, residue mobility, and thermodynamic stability) performed at Invitae indicates that this missense variant is not expected to disrupt MSH6 protein function. This sequence change replaces alanine, which is neutral and non-polar, with glycine, which is neutral and non-polar, at codon 729 of the MSH6 protein (p.Ala729Gly). This variant is not present in population databases (gnomAD no frequency). This variant has not been reported in the literature in individuals affected with MSH6-related conditions. ClinVar contains an entry for this variant (Variation ID: 578796).

NM_000179.3(MSH6):c.2186C>G (p.Ala729Gly)

Gene: MSH6 (mutS homolog 6; plus strand). Cytogenetic location: 2p16.3.
Variant type: single nucleotide variant.
Coding change: c.2186C>G on transcript NM_000179.3 (MANE Select); coding-DNA position 2186, C replaced by G.
Protein change: p.Ala729Gly; replaces alanine 729 with glycine.
Molecular consequence: missense variant.
Genome position (GRCh38, 1-based): chr2:47,800,169, C>G. VCF-style: chr2-47800169-C-G. GRCh37 (hg19) VCF-style: chr2-48027308-C-G.
Other names: c.1796C>G, p.Ala599Gly (NM_001281492.2); c.1280C>G, p.Ala427Gly (NM_001281493.2, NM_001281494.2); short protein forms A729G, A427G, A599G.
Identifiers: ClinVar variation 578796 (VCV000578796.11), dbSNP rs1553413553, ClinGen allele CA346751245.
Genomic context (GRCh38, chr2:47,800,169, plus strand): 5'-ATATTCCCTTGGATTCTGACACAGTCAGCACTACAAGATCTGGTGCTATCTTCACCAAAG[C>G]CTATCAACGAATGGTGCTAGATGCAGTGACATTAAACAACTTGGAGATTTTTCTGAATGG-3'
Protein context (NP_000170.1, residues 719-739): TTRSGAIFTK[Ala729Gly]YQRMVLDAVT